The following is an entry in ClinVar:

ClinVar aggregate classification (germline): Conflicting classifications of pathogenicity. Review status: criteria provided, conflicting classifications (1 of 4 stars). 7 submissions from 7 submitters: Uncertain significance (1); Benign (2); Likely benign (4). Last evaluated 2026-02-03.

Conditions:
Early-infantile DEE. Also called: Ohtahara syndrome; Early infantile epileptic encephalopathy; Early infantile epileptic encephalopathy with suppression bursts. Identifiers: Orphanet 1934, MedGen C0393706, MONDO:0800491.
Inborn genetic diseases. Identifiers: MedGen C0950123, MeSH D030342.
Early Myoclonic Encephalopathy. Identifiers: MedGen C0270855.

Allele frequency attached by ClinVar (database versions not stated): gnomAD exomes 0.00100 and 0.00109; 1000 Genomes Project 0.00200; TOPMed 0.00210; ESP Exome Variant Server 0.00218; gnomAD 0.00231 and 0.00248; 1000 Genomes Project 30x 0.00234; ExAC 0.00238.
gnomAD v4.1: 1,784 of 1,585,920 alleles (0.11%); highest among the groups gnomAD compares: African/African-American, 0.6%; 3 homozygotes.

Submissions (7):

Labcorp Genetics (formerly Invitae), Labcorp
Classification: Benign for Early-infantile DEE. Last evaluated: 2026-02-03. Review status: criteria provided, single submitter. Criteria: Invitae Variant Classification Sherloc (09022015). Collection method: clinical testing. Allele origin: germline.

Mayo Clinic Laboratories, Mayo Clinic
Classification: Likely benign. Last evaluated: 2025-04-28. Review status: criteria provided, single submitter. Criteria: ACMG Guidelines, 2015. Collection method: clinical testing. Allele origin: germline. Observed: 1 variant allele.
Comment: BS1

GeneDx
Classification: Likely benign. Last evaluated: 2021-04-28. Review status: criteria provided, single submitter. Criteria: GeneDx Variant Classification Process June 2021. Collection method: clinical testing. Allele origin: germline. Affected: yes.

Athena Diagnostics
Classification: Likely benign. Last evaluated: 2019-01-16. Review status: criteria provided, single submitter. Criteria: Athena Diagnostics Criteria. Collection method: clinical testing. Allele origin: germline.

CeGaT Center for Human Genetics Tuebingen
Classification: Uncertain significance. Last evaluated: 2018-02-01. Review status: criteria provided, single submitter. Criteria: CeGaT Center For Human Genetics Tuebingen Variant Classification Criteria Version 2. Collection method: clinical testing. Allele origin: germline. Affected: yes. Observed: 2 variant alleles.

Illumina Laboratory Services, Illumina
Classification: Likely benign for Developmental and epileptic encephalopathy, 3. Last evaluated: 2018-01-13. Review status: criteria provided, single submitter. Criteria: ICSL Variant Classification Criteria 13 December 2019. Collection method: clinical testing. Allele origin: germline.
Comment: This variant was observed in the ICSL laboratory as part of a predisposition screen in an ostensibly healthy population. It had not been previously curated by ICSL or reported in the Human Gene Mutation Database (HGMD: prior to June 1st, 2018), and was therefore a candidate for classification through an automated scoring system. Utilizing variant allele frequency, disease prevalence and penetrance estimates, and inheritance mode, an automated score was calculated to assess if this variant is too frequent to cause the disease. Based on the score and internal cut-off values, a variant classified as likely benign is not then subjected to further curation. The score for this variant resulted in a classification of likely benign for this disease.

Ambry Genetics
Classification: Benign for Inborn genetic diseases. Last evaluated: 2017-05-31. Review status: criteria provided, single submitter. Criteria: Ambry Variant Classification Scheme 2023. Collection method: clinical testing. Allele origin: germline.

NM_001191061.2(SLC25A22):c.500G>A (p.Arg167Gln)

Gene: SLC25A22 (solute carrier family 25 member 22; minus strand). Cytogenetic location: 11p15.5.
Variant type: single nucleotide variant.
Coding change: c.500G>A on transcript NM_001191061.2 (MANE Select); coding-DNA position 500, G replaced by A.
Protein change: p.Arg167Gln; replaces arginine 167 with glutamine.
Molecular consequence: missense variant.
Genome position (GRCh38, 1-based): chr11:792,640, C>T on the plus strand (G>A on the coding strand, the complement: SLC25A22 is on the minus strand). VCF-style: chr11-792640-C-T. GRCh37 (hg19) VCF-style: chr11-792640-C-T.
Other names: p.R167Q:CGG>CAG; p.Arg167Gln; c.500G>A, p.Arg167Gln (NM_001191060.2, NM_024698.6); short protein forms R167Q.
Identifiers: ClinVar variation 207153 (VCV000207153.64), dbSNP rs201089795, ClinGen allele CA318345.